The following is an entry in ClinVar:

ClinVar aggregate classification (germline): Conflicting classifications of pathogenicity. Review status: criteria provided, conflicting classifications (1 of 4 stars). 6 submissions from 6 submitters: Uncertain significance (2); Benign (1); Likely benign (2). 1 of the submissions does not count toward it. Last evaluated 2026-01-31.

Conditions:
Alport syndrome. Also called: Hemorrhagic familial nephritis; Hemorrhagic hereditary nephritis; Congenital hereditary hematuria. Identifiers: Orphanet 63, MedGen C1567741, MONDO:0018965.
Autosomal dominant Alport syndrome (ATS3A). Also called: Alport syndrome dominant type; Renal failure and sensorineural hearing loss; ALPORT SYNDROME 3A, AUTOSOMAL DOMINANT. Identifiers: Orphanet 63, Orphanet 88918, MedGen C5882663, MONDO:0007086, OMIM 104200.

Allele frequency attached by ClinVar (database versions not stated): TOPMed 0.00015.
gnomAD v4.1: 157 of 1,614,014 alleles (0.0097%); highest among the groups gnomAD compares: Non-Finnish European, 0.0025%; no homozygotes.

Submissions (6):

Labcorp Genetics (formerly Invitae), Labcorp
Classification: Benign. Last evaluated: 2026-01-31. Review status: criteria provided, single submitter. Criteria: Invitae Variant Classification Sherloc (09022015). Collection method: clinical testing. Allele origin: germline.

GeneDx
Classification: Uncertain significance. Last evaluated: 2023-09-01. Review status: criteria provided, single submitter. Criteria: GeneDx Variant Classification Process June 2021. Collection method: clinical testing. Allele origin: germline. Affected: yes.
Comment: In silico analysis supports that this variant does not alter splicing; Has not been previously published as pathogenic or benign to our knowledge

Blueprint Genetics
Classification: Likely benign. Last evaluated: 2023-04-12. Review status: criteria provided, single submitter. Criteria: ACMG Guidelines, 2015. Collection method: clinical testing. Allele origin: germline.

Women's Health and Genetics/Laboratory Corporation of America, LabCorp
Classification: Likely benign. Last evaluated: 2022-11-02. Review status: criteria provided, single submitter. Criteria: LabCorp Variant Classification Summary - May 2015. Collection method: clinical testing. Allele origin: germline.
Comment: Variant summary: COL4A3 c.4825C>A alters a conserved nucleotide resulting in a synonymous change. 4/4 computational tools predict no significant impact on normal splicing. However, these predictions have yet to be confirmed by functional studies. The variant allele was found at a frequency of 0.00018 in 249414 control chromosomes, predominantly within the Ashkenazi Jewish subpopulation at a frequency of 0.0034, within the gnomAD database. This frequency is approximately 2 fold of the maximum expected allele frequency for a pathogenic variant in COL4A3 causing autosomal recessive Alport Syndrome (0.0034 vs 0.0019), suggesting this may be a benign variant found most commonly within individuals of Askenazki Jewish ancestry. To our knowledge, no occurrence of c.4825C>A in individuals affected with Alport Syndrome and no experimental evidence demonstrating its impact on protein function have been reported. Four clinical diagnostic laboratories have submitted clinical-significance assessments for this variant to ClinVar after 2014. Three laboratories classified the variant as VUS and one classified it as benign. Based on the evidence outlined above, the variant was classified as likely benign.

Illumina Laboratory Services, Illumina
Classification: Uncertain significance for Alport syndrome. Last evaluated: 2018-01-13. Review status: criteria provided, single submitter. Criteria: ICSL Variant Classification Criteria 13 December 2019. Collection method: clinical testing. Allele origin: germline.

Natera, Inc.
Classification: Uncertain significance for Autosomal dominant Alport syndrome. Last evaluated: 2020-04-24. Review status: no assertion criteria provided. Collection method: clinical testing. Allele origin: germline. Not counted in ClinVar's aggregate classification.

NM_000091.5(COL4A3):c.4825C>A (p.Arg1609=)

Genes: COL4A3 (collagen type IV alpha 3 chain; plus strand), MFF-DT (MFF divergent transcript; minus strand). Cytogenetic location: 2q36.3.
Variant type: single nucleotide variant.
Coding change: c.4825C>A on transcript NM_000091.5 (MANE Select); coding-DNA position 4825, C replaced by A.
Protein change: p.Arg1609=; no amino-acid change (arginine 1609 retained).
Molecular consequence: synonymous variant.
Genome position (GRCh38, 1-based): chr2:227,310,845, C>A. VCF-style: chr2-227310845-C-A. GRCh37 (hg19) VCF-style: chr2-228175561-C-A.
Identifiers: ClinVar variation 334789 (VCV000334789.22), dbSNP rs756231749, ClinGen allele CA2147663.